The following is an entry in ClinVar:

NM_000261.2(MYOC):c.1209C>T (p.Leu403=)

Gene: MYOC (myocilin; minus strand). Cytogenetic location: 1q24.3.
Variant type: single nucleotide variant.
Coding change: c.1209C>T on transcript NM_000261.2 (MANE Select); coding-DNA position 1209, C replaced by T.
Protein change: p.Leu403=; no amino-acid change (leucine 403 retained).
Molecular consequence: synonymous variant.
Genome position (GRCh38, 1-based): chr1:171,636,231, G>A on the plus strand (C>T on the coding strand, the complement: MYOC is on the minus strand). VCF-style: chr1-171636231-G-A. GRCh37 (hg19) VCF-style: chr1-171605371-G-A.
Other names: NM_000261.2:c.1209C>T.
Identifiers: ClinVar variation 1810372 (VCV001810372.1), dbSNP rs748201066, ClinGen allele CA1244062.

ClinVar aggregate classification (germline): Uncertain significance (3 of 4 stars; one submission).

Conditions:
Open-angle glaucoma. Identifiers: MedGen C0017612, MONDO:0005338, HP:0012108.

Allele frequency attached by ClinVar (database versions not stated): gnomAD exomes below 0.00001; ExAC 0.00001.
gnomAD v4.1: 1 of 1,614,176 alleles (0.000062%); highest among the groups gnomAD compares: Non-Finnish European, 0.000085%; no homozygotes.

Submission:

ClinGen Glaucoma Variant Curation Expert Panel
Classification: Uncertain significance for Open-angle glaucoma. Last evaluated: 2026-01-12. Review status: reviewed by expert panel. Criteria: ClinGen Glaucoma ACMG Specifications V2.0.0 Approved. Collection method: curation. Allele origin: germline. Inheritance: Autosomal dominant inheritance.
Comment: The c.1209C>T variant in MYOC is a synonymous variant (p.Leu403=). The highest minor allele frequency of this variant was in the European (non-Finnish) genetic ancestry group of gnomAD (v4.1.0) = 0.0000008474 (1 allele out of 1,180,034), which met the ≤ 0.0001 threshold set for PM2_Supporting in a genetic ancestry group of at least 10,000 alleles. The SpliceAI score = 0.01, which met the ≤ 0.1 threshold for BP4, suggesting that the variant does not impact MYOC function. This synonymous variant meets BP4, so BP7 is met. There was no functional evidence predicting a damaging or benign impact of this variant on MYOC function. Only 1 proband with primary open angle glaucoma had been reported (PMID: 15025728), not meeting the ≥ 2 probands threshold required to meet PS4_Supporting. In summary, this variant met the criteria to receive a score of -1 and to be classified as a variant of uncertain significance (uncertain significance classification range -1 to 5, adapted from PMID: 32720330) for primary open angle glaucoma based on the ACMG/AMP criteria met, as specified by the ClinGen Glaucoma VCEP (v2.0.0, 5 Dec 2024): BP4, BP7, PM2_Supporting.